The following is an entry in ClinVar:

ClinVar aggregate classification (germline): Uncertain significance. Review status: criteria provided, multiple submitters, no conflicts (2 of 4 stars). 2 submissions from 2 submitters: Uncertain significance (2). Last evaluated 2025-04-14.

Conditions:
Angelman syndrome (AS). Also called: HAPPY PUPPET SYNDROME. Identifiers: Orphanet 72, MedGen C0162635, MONDO:0007113, OMIM 105830. Disease mechanism: loss of function. Inheritance: AS is caused by disruption of maternally imprinted UBE3A located within the 15q11.2-q13 Angelman syndrome/Prader-Willi syndrome (AS/PWS) region., imprinting disorder.

Allele frequency attached by ClinVar (database versions not stated): gnomAD exomes below 0.00001; gnomAD 0.00003.
gnomAD v4.1: 5 of 1,613,968 alleles (0.00031%); highest among the groups gnomAD compares: African/African-American, 0.0053%; no homozygotes.

Submissions (2):

Labcorp Genetics (formerly Invitae), Labcorp
Classification: Uncertain significance for Angelman syndrome. Last evaluated: 2025-04-14. Review status: criteria provided, single submitter. Criteria: Invitae Variant Classification Sherloc (09022015). Collection method: clinical testing. Allele origin: germline.
Comment: This sequence change replaces glycine, which is neutral and non-polar, with valine, which is neutral and non-polar, at codon 410 of the UBE3A protein (p.Gly410Val). This variant is present in population databases (no rsID available, gnomAD 0.02%). This variant has not been reported in the literature in individuals affected with UBE3A-related conditions. ClinVar contains an entry for this variant (Variation ID: 1700791). Invitae Evidence Modeling of protein sequence and biophysical properties (such as structural, functional, and spatial information, amino acid conservation, physicochemical variation, residue mobility, and thermodynamic stability) has been performed for this missense variant. However, the output from this modeling did not meet the statistical confidence thresholds required to predict the impact of this variant on UBE3A protein function. In summary, the available evidence is currently insufficient to determine the role of this variant in disease. Therefore, it has been classified as a Variant of Uncertain Significance.

GeneDx
Classification: Uncertain significance. Last evaluated: 2022-03-10. Review status: criteria provided, single submitter. Criteria: GeneDx Variant Classification Process June 2021. Collection method: clinical testing. Allele origin: germline. Affected: yes.
Comment: In silico analysis supports that this missense variant has a deleterious effect on protein structure/function; Has not been previously published as pathogenic or benign to our knowledge

NM_130839.5(UBE3A):c.1289G>T (p.Gly430Val)

Genes: SNHG14 (small nucleolar RNA host gene 14; plus strand), UBE3A (ubiquitin protein ligase E3A; minus strand). Cytogenetic location: 15q11.2.
Variant type: single nucleotide variant.
Coding change: c.1289G>T on transcript NM_130839.5 (MANE Select); coding-DNA position 1289, G replaced by T.
Protein change: p.Gly430Val; replaces glycine 430 with valine.
Molecular consequence: missense variant. On other transcripts: non-coding transcript variant (1), intron variant (2).
Genome position (GRCh38, 1-based): chr15:25,370,885, C>A on the plus strand (G>T on the coding strand, the complement: UBE3A is on the minus strand). VCF-style: chr15-25370885-C-A. GRCh37 (hg19) VCF-style: chr15-25616032-C-A.
Other names: c.1298G>T, p.Gly433Val (NM_000462.5); c.1289G>T, p.Gly430Val (NM_001354505.1, NM_001354538.2, NM_001354545.2); c.1229G>T, p.Gly410Val (NM_001354506.2, NM_001354507.2, NM_001354508.2 and 17 more transcripts); c.301+4580G>T (NM_001354551.2); c.361+4580G>T (NM_001354550.2); c.1112G>T, p.Gly371Val (NM_001354546.2); short protein forms G371V, G410V, G430V, G433V.
Identifiers: ClinVar variation 1700791 (VCV001700791.7), dbSNP rs1260300451, ClinGen allele CA391353939.